The following is an entry in ClinVar:

NM_147127.5(EVC2):c.2591G>A (p.Arg864Lys)

Gene: EVC2 (EvC ciliary complex subunit 2; minus strand). Cytogenetic location: 4p16.2.
Variant type: single nucleotide variant.
Coding change: c.2591G>A on transcript NM_147127.5 (MANE Select); coding-DNA position 2591, G replaced by A.
Protein change: p.Arg864Lys; replaces arginine 864 with lysine.
Molecular consequence: missense variant.
Genome position (GRCh38, 1-based): chr4:5,618,593, C>T on the plus strand (G>A on the coding strand, the complement: EVC2 is on the minus strand). VCF-style: chr4-5618593-C-T. GRCh37 (hg19) VCF-style: chr4-5620320-C-T.
Other names: c.2351G>A, p.Arg784Lys (NM_001166136.2); short protein forms R864K, R784K.
Identifiers: ClinVar variation 618097 (VCV000618097.16), dbSNP rs369531662, ClinGen allele CA2834659.

ClinVar aggregate classification (germline): Uncertain significance. Review status: criteria provided, multiple submitters, no conflicts (2 of 4 stars). 5 submissions from 5 submitters: Uncertain significance (5). Last evaluated 2025-12-30.

Conditions:
Curry-Hall syndrome (WAD). Also called: WEYERS ACRODENTAL DYSOSTOSIS. Identifiers: Orphanet 952, MedGen C0457013, MONDO:0008673, OMIM 193530.
Ellis-van Creveld syndrome (EVC). Also called: Chondroectodermal dysplasia; MESOECTODERMAL DYSPLASIA. Identifiers: Orphanet 289, MedGen C0013903, MONDO:0009162, OMIM 225500.
Inborn genetic diseases. Identifiers: MedGen C0950123, MeSH D030342.

Allele frequency attached by ClinVar (database versions not stated): ExAC 0.00008; ESP Exome Variant Server 0.00015; 1000 Genomes Project 30x 0.00016; 1000 Genomes Project 0.00020; TOPMed 0.00034; gnomAD 0.00035.
gnomAD v4.1: 87 of 1,614,062 alleles (0.0054%); highest among the groups gnomAD compares: African/African-American, 0.11%; no homozygotes.

Submissions (5):

Ambry Genetics
Classification: Uncertain significance for Inborn genetic diseases. Last evaluated: 2025-12-30. Review status: criteria provided, single submitter. Criteria: Ambry Variant Classification Scheme 2023. Collection method: clinical testing. Allele origin: germline.
Comment: The c.2591G>A (p.R864K) alteration is located in exon 15 (coding exon 15) of the EVC2 gene. This alteration results from a G to A substitution at nucleotide position 2591, causing the arginine (R) at amino acid position 864 to be replaced by a lysine (K). Based on data from gnomAD, the A allele has an overall frequency of 0.009% (25/282194) total alleles studied. The highest observed frequency was 0.096% (24/24900) of African alleles. Based on insufficient or conflicting evidence, the clinical significance of this alteration remains unclear.

GeneDx
Classification: Uncertain significance. Last evaluated: 2024-12-18. Review status: criteria provided, single submitter. Criteria: GeneDx Variant Classification Process June 2021. Collection method: clinical testing. Allele origin: germline. Affected: yes.
Comment: In silico analysis indicates that this missense variant does not alter protein structure/function; Has not been previously published as pathogenic or benign to our knowledge

Labcorp Genetics (formerly Invitae), Labcorp
Classification: Uncertain significance for Curry-Hall syndrome; Ellis-van Creveld syndrome. Last evaluated: 2024-05-02. Review status: criteria provided, single submitter. Criteria: Invitae Variant Classification Sherloc (09022015). Collection method: clinical testing. Allele origin: germline.
Comment: This sequence change replaces arginine, which is basic and polar, with lysine, which is basic and polar, at codon 864 of the EVC2 protein (p.Arg864Lys). This variant is present in population databases (rs369531662, gnomAD 0.1%). This variant has not been reported in the literature in individuals affected with EVC2-related conditions. ClinVar contains an entry for this variant (Variation ID: 618097). An algorithm developed to predict the effect of missense changes on protein structure and function (PolyPhen-2) suggests that this variant is likely to be disruptive. In summary, the available evidence is currently insufficient to determine the role of this variant in disease. Therefore, it has been classified as a Variant of Uncertain Significance.

Blueprint Genetics
Classification: Uncertain significance. Last evaluated: 2024-01-23. Review status: criteria provided, single submitter. Criteria: ACMG Guidelines, 2015. Collection method: clinical testing. Allele origin: germline.

ARUP Laboratories, Molecular Genetics and Genomics, ARUP Laboratories
Classification: Uncertain significance. Last evaluated: 2018-06-26. Review status: criteria provided, single submitter. Criteria: ARUP Molecular Germline Variant Investigation Process. Collection method: clinical testing. Allele origin: germline.
Comment: The EVC2 c.2591G>A; p.Arg864Lys variant (rs369531662), to our knowledge, is not described in the medical literature or in gene-specific databases, but is observed in the African population at an overall frequency of 0.1% (23/23966 alleles) in the Genome Aggregation Database. The arginine at codon 864 is highly conserved, but computational algorithms (PolyPhen-2, SIFT) predict that this variant is tolerated. Due to limited information regarding this variant, its clinical significance cannot be determined with certainty.